The following is an entry in ClinVar:

NM_001114753.3(ENG):c.520del (p.Gln174fs)

Gene: ENG (endoglin; minus strand). Cytogenetic location: 9q34.11.
Variant type: Deletion.
Coding change: c.520del on transcript NM_001114753.3 (MANE Select); coding-DNA position 520, one base deleted (C; older notation c.520delC).
Protein change: p.Gln174fs; shifts the reading frame from glutamine 174.
Molecular consequence: frameshift variant. On other transcripts: 5 prime UTR variant (1).
Genome position (GRCh38, 1-based): chr9:127,826,513, G deleted on the plus strand (C on the coding strand, the reverse complement: ENG is on the minus strand); the first of 2 consecutive G bases (chr9:127,826,513-127,826,514); deleting either gives the same sequence. VCF-style (leftmost placement, unchanged base first): chr9-127826512-TG-T. GRCh37 (hg19) VCF-style: chr9-130588791-TG-T.
Other names: c.520del, p.Gln174fs (NM_000118.4, NM_001406715.1); c.-27del (NM_001278138.2); short protein forms Q174fs.
Identifiers: ClinVar variation 4795185 (VCV004795185.1).

ClinVar aggregate classification (germline): Likely pathogenic (1 of 4 stars; one submission).

Conditions:
Telangiectasia, hereditary hemorrhagic, type 1 (HHT1). Also called: Osler Weber Rendu syndrome type 1; ENG-Related Hereditary Hemorrhagic Telangiectasia. Identifiers: Orphanet 774, MedGen C4551861, MONDO:0008535, OMIM 187300. Disease mechanism: loss of function.

Submission:

Laboratorio de Biologia Molecular/Medicina Genomica - IFF/Fiocruz, Instituto Fernandes Figueira, Fundacao Oswaldo Cruz
Classification: Likely pathogenic for Telangiectasia, hereditary hemorrhagic, type 1. Last evaluated: 2025-09-02. Review status: criteria provided, single submitter. Criteria: ACMG Guidelines, 2015. Collection method: clinical testing. Allele origin: germline. Affected: yes. Observed: 1 variant allele.
Comment: Variant: c.520del (p.Gln174LysfsTer48) in exon 4 of the ENG gene. Protein effect: Frameshift variant predicted to undergo NMD in a gene where LoF is a known mechanism of disease. Population database (gnomAD): Absent. ACMG/AMP criteria applied: PVS1, PM2_Supporting.